The following is an entry in ClinVar:

ClinVar aggregate classification (germline): Uncertain significance (1 of 4 stars; one submission).

Conditions:
Autosomal recessive distal spinal muscular atrophy 1. Also called: NEURONOPATHY, SEVERE INFANTILE AXONAL, WITH RESPIRATORY FAILURE; SEVERE INFANTILE AXONAL NEUROPATHY WITH RESPIRATORY FAILURE; SPINAL MUSCULAR ATROPHY, DIAPHRAGMATIC; NEURONOPATHY, DISTAL HEREDITARY MOTOR, HARDING TYPE VI; NEUROPATHY, DISTAL HEREDITARY MOTOR, AUTOSOMAL RECESSIVE 1; Spinal muscular atrophy with respiratory distress 1. Identifiers: Orphanet 98920, MedGen C1858517, MONDO:0011436, OMIM 604320.
Charcot-Marie-Tooth disease axonal type 2S. Also called: CHARCOT-MARIE-TOOTH DISEASE, AXONAL, AUTOSOMAL RECESSIVE, TYPE 2S; CHARCOT-MARIE-TOOTH NEUROPATHY, TYPE 2S. Identifiers: Orphanet 443073, MedGen C4015349, MONDO:0014511, OMIM 616155.

Allele frequency attached by ClinVar (database versions not stated): gnomAD exomes below 0.00001 and 0.00002; TOPMed below 0.00001.
gnomAD v4.1: 5 of 1,614,066 alleles (0.00031%); highest among the groups gnomAD compares: East Asian, 0.011%; no homozygotes.

Submission:

Labcorp Genetics (formerly Invitae), Labcorp
Classification: Uncertain significance for Autosomal recessive distal spinal muscular atrophy 1; Charcot-Marie-Tooth disease axonal type 2S. Last evaluated: 2021-09-21. Review status: criteria provided, single submitter. Criteria: Invitae Variant Classification Sherloc (09022015). Collection method: clinical testing. Allele origin: germline.
Comment: This sequence change replaces phenylalanine with serine at codon 883 of the IGHMBP2 protein (p.Phe883Ser). The phenylalanine residue is moderately conserved and there is a large physicochemical difference between phenylalanine and serine. This variant is not present in population databases (ExAC no frequency). This variant has not been reported in the literature in individuals affected with IGHMBP2-related conditions. Advanced modeling of protein sequence and biophysical properties (such as structural, functional, and spatial information, amino acid conservation, physicochemical variation, residue mobility, and thermodynamic stability) performed at Invitae indicates that this missense variant is not expected to disrupt IGHMBP2 protein function. In summary, the available evidence is currently insufficient to determine the role of this variant in disease. Therefore, it has been classified as a Variant of Uncertain Significance.

NM_002180.3(IGHMBP2):c.2648T>C (p.Phe883Ser)

Gene: IGHMBP2 (immunoglobulin mu DNA binding protein 2; plus strand). Cytogenetic location: 11q13.3.
Variant type: single nucleotide variant.
Coding change: c.2648T>C on transcript NM_002180.3 (MANE Select); coding-DNA position 2648, T replaced by C.
Protein change: p.Phe883Ser; replaces phenylalanine 883 with serine.
Molecular consequence: missense variant.
Genome position (GRCh38, 1-based): chr11:68,938,218, T>C. VCF-style: chr11-68938218-T-C. GRCh37 (hg19) VCF-style: chr11-68705686-T-C.
Other names: short protein forms F883S.
Identifiers: ClinVar variation 1508068 (VCV001508068.3), dbSNP rs774483778, ClinGen allele CA223414958.